The following is an entry in ClinVar:

ClinVar aggregate classification (germline): Uncertain significance (1 of 4 stars; one submission).

Conditions:
Severe combined immunodeficiency due to CORO1A deficiency. Also called: Immunodeficiency 8; IMMUNODEFICIENCY 8 WITH LYMPHOPROLIFERATION. Identifiers: Orphanet 228003, MedGen C3809383, MONDO:0014168, OMIM 615401.

Submission:

Labcorp Genetics (formerly Invitae), Labcorp
Classification: Uncertain significance for Severe combined immunodeficiency due to CORO1A deficiency. Last evaluated: 2022-08-22. Review status: criteria provided, single submitter. Criteria: Invitae Variant Classification Sherloc (09022015). Collection method: clinical testing. Allele origin: germline.
Comment: This sequence change replaces alanine, which is neutral and non-polar, with glycine, which is neutral and non-polar, at codon 376 of the CORO1A protein (p.Ala376Gly). This variant is not present in population databases (gnomAD no frequency). This variant has not been reported in the literature in individuals affected with CORO1A-related conditions. Algorithms developed to predict the effect of missense changes on protein structure and function are either unavailable or do not agree on the potential impact of this missense change (SIFT: "Deleterious"; PolyPhen-2: "Possibly Damaging"; Align-GVGD: "Class C0"). Algorithms developed to predict the effect of sequence changes on RNA splicing suggest that this variant may create or strengthen a splice site. In summary, the available evidence is currently insufficient to determine the role of this variant in disease. Therefore, it has been classified as a Variant of Uncertain Significance.

NM_007074.4(CORO1A):c.1127C>G (p.Ala376Gly)

Gene: CORO1A (coronin 1A; plus strand). Cytogenetic location: 16p11.2.
Variant type: single nucleotide variant.
Coding change: c.1127C>G on transcript NM_007074.4 (MANE Select); coding-DNA position 1127, C replaced by G.
Protein change: p.Ala376Gly; replaces alanine 376 with glycine.
Molecular consequence: missense variant.
Genome position (GRCh38, 1-based): chr16:30,188,422, C>G. VCF-style: chr16-30188422-C-G. GRCh37 (hg19) VCF-style: chr16-30199743-C-G.
Other names: c.1127C>G, p.Ala376Gly (NM_001193333.3); short protein forms A376G.
Identifiers: ClinVar variation 1924607 (VCV001924607.2), dbSNP rs2543758702, ClinGen allele CA395498846.